The following is an entry in ClinVar:

NM_015072.5(TTLL5):c.639C>A (p.Asn213Lys)

Gene: TTLL5 (tubulin tyrosine ligase like 5; plus strand). Cytogenetic location: 14q24.3.
Variant type: single nucleotide variant.
Coding change: c.639C>A on transcript NM_015072.5 (MANE Select); coding-DNA position 639, C replaced by A.
Protein change: p.Asn213Lys; replaces asparagine 213 with lysine.
Molecular consequence: missense variant.
Genome position (GRCh38, 1-based): chr14:75,707,071, C>A. VCF-style: chr14-75707071-C-A. GRCh37 (hg19) VCF-style: chr14-76173414-C-A.
Other names: short protein forms N213K.
Identifiers: ClinVar variation 1002695 (VCV001002695.11), dbSNP rs769924591, ClinGen allele CA7279012.

ClinVar aggregate classification (germline): Uncertain significance. Review status: criteria provided, multiple submitters, no conflicts (2 of 4 stars). 2 submissions from 2 submitters: Uncertain significance (2). Last evaluated 2022-11-16.

Allele frequency attached by ClinVar (database versions not stated): TOPMed 0.00002.
gnomAD v4.1: 30 of 1,612,376 alleles (0.0019%); highest among the groups gnomAD compares: Admixed American, 0.0067%; no homozygotes.

Submissions (2):

Blueprint Genetics
Classification: Uncertain significance. Last evaluated: 2022-11-16. Review status: criteria provided, single submitter. Criteria: ACMG Guidelines, 2015. Collection method: clinical testing. Allele origin: germline.

Labcorp Genetics (formerly Invitae), Labcorp
Classification: Uncertain significance. Last evaluated: 2022-06-20. Review status: criteria provided, single submitter. Criteria: Invitae Variant Classification Sherloc (09022015). Collection method: clinical testing. Allele origin: germline.
Comment: In summary, the available evidence is currently insufficient to determine the role of this variant in disease. Therefore, it has been classified as a Variant of Uncertain Significance. Algorithms developed to predict the effect of missense changes on protein structure and function are either unavailable or do not agree on the potential impact of this missense change (SIFT: "Deleterious"; PolyPhen-2: "Benign"; Align-GVGD: "Class C35"). ClinVar contains an entry for this variant (Variation ID: 1002695). This variant has not been reported in the literature in individuals affected with TTLL5-related conditions. This variant is present in population databases (rs769924591, gnomAD 0.009%). This sequence change replaces asparagine, which is neutral and polar, with lysine, which is basic and polar, at codon 213 of the TTLL5 protein (p.Asn213Lys).